The following is an entry in ClinVar:

NM_005219.5(DIAPH1):c.2436C>T (p.Phe812=)

Gene: DIAPH1 (diaphanous related formin 1; minus strand). Cytogenetic location: 5q31.3.
Variant type: single nucleotide variant.
Coding change: c.2436C>T on transcript NM_005219.5 (MANE Select); coding-DNA position 2436, C replaced by T.
Protein change: p.Phe812=; no amino-acid change (phenylalanine 812 retained).
Molecular consequence: synonymous variant.
Genome position (GRCh38, 1-based): chr5:141,571,963, G>A on the plus strand (C>T on the coding strand, the complement: DIAPH1 is on the minus strand). VCF-style: chr5-141571963-G-A. GRCh37 (hg19) VCF-style: chr5-140951530-G-A.
Other names: c.2409C>T, p.Phe803= (NM_001079812.3); c.2436C>T, p.Phe812= (NM_001314007.2); c.2436C>T (NM_005219.4).
Identifiers: ClinVar variation 1141951 (VCV001141951.19), dbSNP rs185113837, ClinGen allele CA3479078.

ClinVar aggregate classification (germline): Likely benign. Review status: criteria provided, multiple submitters, no conflicts (2 of 4 stars). 3 submissions from 3 submitters: Likely benign (2). 1 of the submissions does not count toward it. Last evaluated 2026-02-03.

Conditions:
DIAPH1-related disorder. Also called: DIAPH1-related condition.
Progressive microcephaly-seizures-cortical blindness-developmental delay syndrome. Also called: Seizures, cortical blindness, and microcephaly syndrome. Identifiers: Orphanet 477814, MedGen C5567650, MONDO:0014714, OMIM 616632.
Autosomal dominant nonsyndromic hearing loss 1. Also called: DEAFNESS, AUTOSOMAL DOMINANT 1, WITH OR WITHOUT THROMBOCYTOPENIA; KONIGSMARK SYNDROME. Identifiers: Orphanet 90635, MedGen C1852282, MONDO:0007424, OMIM 124900.

Allele frequency attached by ClinVar (database versions not stated): gnomAD exomes 0.00003 and 0.00004; ExAC 0.00005; ESP Exome Variant Server 0.00008; gnomAD 0.00010 and 0.00013; TOPMed 0.00010; 1000 Genomes Project 0.00060; 1000 Genomes Project 30x 0.00078.
gnomAD v4.1: 58 of 1,614,126 alleles (0.0036%); highest among the groups gnomAD compares: African/African-American, 0.043%; no homozygotes.

Submissions (3):

Labcorp Genetics (formerly Invitae), Labcorp
Classification: Likely benign for Progressive microcephaly-seizures-cortical blindness-developmental delay syndrome; Autosomal dominant nonsyndromic hearing loss 1. Last evaluated: 2026-02-03. Review status: criteria provided, single submitter. Criteria: Invitae Variant Classification Sherloc (09022015). Collection method: clinical testing. Allele origin: germline.

CeGaT Center for Human Genetics Tuebingen
Classification: Likely benign. Last evaluated: 2025-07-01. Review status: criteria provided, single submitter. Criteria: CeGaT Center For Human Genetics Tuebingen Variant Classification Criteria Version 2. Collection method: clinical testing. Allele origin: germline. Affected: yes. Observed: 1 variant allele.
Comment: DIAPH1: BP4, BP7

PreventionGenetics, part of Exact Sciences
Classification: Likely benign for DIAPH1-related condition. Last evaluated: 2019-04-29. Review status: no assertion criteria provided. Collection method: clinical testing. Allele origin: germline. Not counted in ClinVar's aggregate classification.
Comment: This variant is classified as likely benign based on ACMG/AMP sequence variant interpretation guidelines (Richards et al. 2015 PMID: 25741868, with internal and published modifications).